The following is an entry in ClinVar:

NM_000064.4(C3):c.3934C>T (p.His1312Tyr)

Gene: C3 (complement C3; minus strand). Cytogenetic location: 19p13.3.
Variant type: single nucleotide variant.
Coding change: c.3934C>T on transcript NM_000064.4 (MANE Select); coding-DNA position 3934, C replaced by T.
Protein change: p.His1312Tyr; replaces histidine 1312 with tyrosine.
Molecular consequence: missense variant.
Genome position (GRCh38, 1-based): chr19:6,685,023, G>A on the plus strand (C>T on the coding strand, the complement: C3 is on the minus strand). VCF-style: chr19-6685023-G-A. GRCh37 (hg19) VCF-style: chr19-6685034-G-A.
Other names: short protein forms H1312Y.
Identifiers: ClinVar variation 4740375 (VCV004740375.1).

ClinVar aggregate classification (germline): Uncertain significance (1 of 4 stars; one submission).

Submission:

Labcorp Genetics (formerly Invitae), Labcorp
Classification: Uncertain significance. Last evaluated: 2025-06-10. Review status: criteria provided, single submitter. Criteria: Invitae Variant Classification Sherloc (09022015). Collection method: clinical testing. Allele origin: germline.
Comment: This sequence change replaces histidine, which is basic and polar, with tyrosine, which is neutral and polar, at codon 1312 of the C3 protein (p.His1312Tyr). This variant is not present in population databases (gnomAD no frequency). This variant has not been reported in the literature in individuals affected with C3-related conditions. Invitae Evidence Modeling of protein sequence and biophysical properties (such as structural, functional, and spatial information, amino acid conservation, physicochemical variation, residue mobility, and thermodynamic stability) indicates that this missense variant is not expected to disrupt C3 protein function with a negative predictive value of 80%. In summary, the available evidence is currently insufficient to determine the role of this variant in disease. Therefore, it has been classified as a Variant of Uncertain Significance.